The following is an entry in ClinVar:

ClinVar aggregate classification (germline): Benign/Likely benign. Review status: criteria provided, multiple submitters, no conflicts (2 of 4 stars). 5 submissions from 5 submitters: Benign (1); Likely benign (4). Last evaluated 2026-02-02.

Conditions:
Bardet-Biedl syndrome (BBS). Identifiers: Orphanet 110, MedGen C0752166, MONDO:0015229.
Bardet-Biedl syndrome 9 (BBS9). Identifiers: Orphanet 110, MedGen C1859567, MONDO:0014437, OMIM 615986.

Allele frequency attached by ClinVar (database versions not stated): gnomAD 0.00003 and 0.00030; TOPMed 0.00006; gnomAD exomes 0.00081; ExAC 0.00088; 1000 Genomes Project 30x 0.00328; 1000 Genomes Project 0.00379.
gnomAD v4.1: 597 of 1,612,028 alleles (0.037%); highest among the groups gnomAD compares: South Asian, 0.59%; 7 homozygotes.

Submissions (5):

Labcorp Genetics (formerly Invitae), Labcorp
Classification: Benign for Bardet-Biedl syndrome. Last evaluated: 2026-02-02. Review status: criteria provided, single submitter. Criteria: Invitae Variant Classification Sherloc (09022015). Collection method: clinical testing. Allele origin: germline.

CeGaT Center for Human Genetics Tuebingen
Classification: Likely benign. Last evaluated: 2025-03-01. Review status: criteria provided, single submitter. Criteria: CeGaT Center For Human Genetics Tuebingen Variant Classification Criteria Version 2. Collection method: clinical testing. Allele origin: germline. Affected: yes. Observed: 2 variant alleles.
Comment: BBS9: BP4, BP7

Blueprint Genetics
Classification: Likely benign. Last evaluated: 2024-08-27. Review status: criteria provided, single submitter. Criteria: ACMG Guidelines, 2015. Collection method: clinical testing. Allele origin: germline.

Fulgent Genetics
Classification: Likely benign for Bardet-Biedl syndrome 9. Last evaluated: 2022-03-16. Review status: criteria provided, single submitter. Criteria: ACMG Guidelines, 2015. Collection method: clinical testing. Allele origin: unknown.

Illumina Laboratory Services, Illumina
Classification: Likely benign for Bardet-Biedl syndrome 9. Last evaluated: 2018-01-12. Review status: criteria provided, single submitter. Criteria: ICSL Variant Classification Criteria 13 December 2019. Collection method: clinical testing. Allele origin: germline.
Comment: This variant was observed in the ICSL laboratory as part of a predisposition screen in an ostensibly healthy population. It had not been previously curated by ICSL or reported in the Human Gene Mutation Database (HGMD: prior to June 1st, 2018), and was therefore a candidate for classification through an automated scoring system. Utilizing variant allele frequency, disease prevalence and penetrance estimates, and inheritance mode, an automated score was calculated to assess if this variant is too frequent to cause the disease. Based on the score and internal cut-off values, a variant classified as likely benign is not then subjected to further curation. The score for this variant resulted in a classification of likely benign for this disease.

NM_198428.3(BBS9):c.1606C>T (p.Leu536=)

Gene: BBS9 (Bardet-Biedl syndrome 9; plus strand). Cytogenetic location: 7p14.3.
Variant type: single nucleotide variant.
Coding change: c.1606C>T on transcript NM_198428.3 (MANE Select); coding-DNA position 1606, C replaced by T.
Protein change: p.Leu536=; no amino-acid change (leucine 536 retained).
Molecular consequence: synonymous variant. On other transcripts: non-coding transcript variant (3).
Genome position (GRCh38, 1-based): chr7:33,357,908, C>T. VCF-style: chr7-33357908-C-T. GRCh37 (hg19) VCF-style: chr7-33397520-C-T.
Other names: c.1501C>T, p.Leu501= (NM_001033604.2); c.1591C>T, p.Leu531= (NM_001033605.2); c.1606C>T, p.Leu536= (NM_001348036.1, NM_001348041.4, NM_001348043.3 and 1 more transcripts); c.1240C>T, p.Leu414= (NM_001348037.3, NM_001348045.3, NM_001348046.3); c.1333C>T, p.Leu445= (NM_001348038.3); c.1228C>T, p.Leu410= (NM_001348039.3); c.1486C>T, p.Leu496= (NM_001348040.3, NM_014451.4); c.1471C>T, p.Leu491= (NM_001348042.3); and 1 more.
Identifiers: ClinVar variation 695852 (VCV000695852.39), dbSNP rs576401162, ClinGen allele CA4214444.